The following is an entry in ClinVar:

ClinVar aggregate classification (germline): Uncertain significance (1 of 4 stars; one submission).

Conditions:
Congenital contractural arachnodactyly (CCA). Also called: Beals-Hecht syndrome; BEALS SYNDROME; Arthrogryposis, distal, type 9. Identifiers: Orphanet 115, MedGen C0220668, MONDO:0007363, OMIM 121050.

Allele frequency attached by ClinVar (database versions not stated): gnomAD exomes below 0.00001; ExAC 0.00001.
gnomAD v4.1: 2 of 1,613,834 alleles (0.00012%); highest among the groups gnomAD compares: Non-Finnish European, 0.00017%; no homozygotes.

Submission:

Labcorp Genetics (formerly Invitae), Labcorp
Classification: Uncertain significance for Congenital contractural arachnodactyly. Last evaluated: 2023-07-19. Review status: criteria provided, single submitter. Criteria: Invitae Variant Classification Sherloc (09022015). Collection method: clinical testing. Allele origin: germline.
Comment: Advanced modeling of protein sequence and biophysical properties (such as structural, functional, and spatial information, amino acid conservation, physicochemical variation, residue mobility, and thermodynamic stability) performed at Invitae indicates that this missense variant is not expected to disrupt FBN2 protein function. In summary, the available evidence is currently insufficient to determine the role of this variant in disease. Therefore, it has been classified as a Variant of Uncertain Significance. This variant has not been reported in the literature in individuals affected with FBN2-related conditions. This variant is present in population databases (rs769985378, gnomAD 0.0009%). This sequence change replaces asparagine, which is neutral and polar, with serine, which is neutral and polar, at codon 1821 of the FBN2 protein (p.Asn1821Ser).

NM_001999.4(FBN2):c.5462A>G (p.Asn1821Ser)

Gene: FBN2 (fibrillin 2; minus strand). Cytogenetic location: 5q23.3.
Variant type: single nucleotide variant.
Coding change: c.5462A>G on transcript NM_001999.4 (MANE Select); coding-DNA position 5462, A replaced by G.
Protein change: p.Asn1821Ser; replaces asparagine 1821 with serine.
Molecular consequence: missense variant.
Genome position (GRCh38, 1-based): chr5:128,305,909, T>C on the plus strand (A>G on the coding strand, the complement: FBN2 is on the minus strand). VCF-style: chr5-128305909-T-C. GRCh37 (hg19) VCF-style: chr5-127641601-T-C.
Other names: short protein forms N1821S.
Identifiers: ClinVar variation 2815991 (VCV002815991.3), dbSNP rs769985378, ClinGen allele CA3394689.